The following is an entry in ClinVar:

NM_153717.3(EVC):c.*53T>C

Gene: EVC (EvC ciliary complex subunit 1; plus strand). Cytogenetic location: 4p16.2.
Variant type: single nucleotide variant.
Coding change: c.*53T>C on transcript NM_153717.3 (MANE Select); 53 bases downstream of the stop codon, T replaced by C.
Molecular consequence: 3 prime UTR variant.
Genome position (GRCh38, 1-based): chr4:5,811,090, T>C. VCF-style: chr4-5811090-T-C. GRCh37 (hg19) VCF-style: chr4-5812817-T-C.
Other names: c.*53T>C (NM_001306090.2).
Identifiers: ClinVar variation 349216 (VCV000349216.7), dbSNP rs7676531, ClinGen allele CA10621373.
Genomic context (GRCh38, chr4:5,811,090, plus strand): 5'-ACTTGTAGTTTAAGACCAGTCGGTGGGACAAGACCTGAAGCCCTGGGTCTGGGTGTGAAT[T>C]CCACCTTCCCTCCTGCAGTGCTGAGAGGCAGCGAGGACGGAGAGGACAGCGGCATCTCTA-3'

ClinVar aggregate classification (germline): Benign. Review status: criteria provided, multiple submitters, no conflicts (2 of 4 stars). 3 submissions from 3 submitters: Benign (3). Last evaluated 2018-06-17.

Conditions:
Ellis-van Creveld syndrome (EVC). Also called: EVC-Related Ellis-van Creveld Syndrome; EVC2-Related Ellis-van Creveld Syndrome; MESOECTODERMAL DYSPLASIA; Chondroectodermal dysplasia. Identifiers: Orphanet 289, MedGen C0013903, MONDO:0009162, OMIM 225500.

Allele frequency attached by ClinVar (database versions not stated): gnomAD exomes 0.03661; 1000 Genomes Project 0.05331; 1000 Genomes Project 30x 0.05700; gnomAD 0.06239 and 0.06533; ESP Exome Variant Server 0.06570; TOPMed 0.06870.
gnomAD v4.1: 57,992 of 1,457,292 alleles (4%); highest among the groups gnomAD compares: African/African-American, 13%; 1,709 homozygotes.

Submissions (3):

GeneDx
Classification: Benign. Last evaluated: 2018-06-17. Review status: criteria provided, single submitter. Criteria: GeneDx Variant Classification Process June 2021. Collection method: clinical testing. Allele origin: germline. Affected: yes.

Illumina Laboratory Services, Illumina
Classification: Benign for Ellis-van Creveld syndrome. Last evaluated: 2018-01-13. Review status: criteria provided, single submitter. Criteria: ICSL Variant Classification Criteria 13 December 2019. Collection method: clinical testing. Allele origin: germline.
Comment: This variant was observed in the ICSL laboratory as part of a predisposition screen in an ostensibly healthy population. It had not been previously curated by ICSL or reported in the Human Gene Mutation Database (HGMD: prior to June 1st, 2018), and was therefore a candidate for classification through an automated scoring system. Utilizing variant allele frequency, disease prevalence and penetrance estimates, and inheritance mode, an automated score was calculated to assess if this variant is too frequent to cause the disease. Based on the score and internal cut-off values, a variant classified as benign is not then subjected to further curation. The score for this variant resulted in a classification of benign for this disease.

Breakthrough Genomics
Classification: Benign. Review status: criteria provided, single submitter. Criteria: ACMG Guidelines, 2015. Collection method: not provided. Allele origin: germline. Inheritance: Autosomal recessive inheritance. Affected: yes.